The following is an entry in ClinVar:

NM_003055.3(SLC18A3):c.41C>A (p.Ala14Asp)

Genes: CHAT (choline O-acetyltransferase; plus strand), SLC18A3 (solute carrier family 18 member A3; plus strand). Cytogenetic location: 10q11.23.
Variant type: single nucleotide variant.
Coding change: c.41C>A on transcript NM_003055.3 (MANE Select); coding-DNA position 41, C replaced by A.
Protein change: p.Ala14Asp; replaces alanine 14 with aspartic acid.
Molecular consequence: missense variant. On other transcripts: intron variant (1).
Genome position (GRCh38, 1-based): chr10:49,610,781, C>A. VCF-style: chr10-49610781-C-A. GRCh37 (hg19) VCF-style: chr10-50818827-C-A.
Other names: c.-69+1582C>A (NM_020984.4); short protein forms A14D.
Identifiers: ClinVar variation 1408631 (VCV001408631.10), dbSNP rs199520651, ClinGen allele CA5496673.
Genomic context (GRCh38, chr10:49,610,781, plus strand): 5'-AAGAGCATCGGGGTGGGGGCATGGAATCCGCGGAACCTGCGGGCCAGGCCCGGGCGGCGG[C>A]CACCAAGCTGTCGGAGGCTGTGGGCGCGGCGCTGCAGGAGCCCCGGCGGCAGAGGCGCCT-3'
Protein context (NP_003046.2, residues 4-24): AEPAGQARAA[Ala14Asp]TKLSEAVGAA

ClinVar aggregate classification (germline): Uncertain significance. Review status: criteria provided, multiple submitters, no conflicts (2 of 4 stars). 2 submissions from 2 submitters: Uncertain significance (2). Last evaluated 2025-08-11.

Conditions:
Inborn genetic diseases. Identifiers: MedGen C0950123, MeSH D030342.

gnomAD v4.1: 85 of 1,570,492 alleles (0.0054%); highest among the groups gnomAD compares: Non-Finnish European, 0.0072%; 1 homozygote.

Submissions (2):

Ambry Genetics
Classification: Uncertain significance for Inborn genetic diseases. Last evaluated: 2025-08-11. Review status: criteria provided, single submitter. Criteria: Ambry Variant Classification Scheme 2023. Collection method: clinical testing. Allele origin: germline.

Labcorp Genetics (formerly Invitae), Labcorp
Classification: Uncertain significance. Last evaluated: 2022-05-16. Review status: criteria provided, single submitter. Criteria: Invitae Variant Classification Sherloc (09022015). Collection method: clinical testing. Allele origin: germline.
Comment: In summary, the available evidence is currently insufficient to determine the role of this variant in disease. Therefore, it has been classified as a Variant of Uncertain Significance. This sequence change replaces alanine, which is neutral and non-polar, with aspartic acid, which is acidic and polar, at codon 14 of the SLC18A3 protein (p.Ala14Asp). This variant is present in population databases (rs199520651, gnomAD 0.005%). This variant has not been reported in the literature in individuals affected with SLC18A3-related conditions. Algorithms developed to predict the effect of missense changes on protein structure and function are either unavailable or do not agree on the potential impact of this missense change (SIFT: "Deleterious"; PolyPhen-2: "Benign"; Align-GVGD: "Class C25").